The following is an entry in ClinVar:

NM_002474.3(MYH11):c.3616G>A (p.Glu1206Lys)

Gene: MYH11 (myosin heavy chain 11; minus strand). Cytogenetic location: 16p13.11.
Variant type: single nucleotide variant.
Coding change: c.3616G>A on transcript NM_002474.3 (MANE Select); coding-DNA position 3616, G replaced by A.
Protein change: p.Glu1206Lys; replaces glutamic acid 1206 with lysine.
Molecular consequence: missense variant.
Genome position (GRCh38, 1-based): chr16:15,732,599, C>T on the plus strand (G>A on the coding strand, the complement: MYH11 is on the minus strand). VCF-style: chr16-15732599-C-T. GRCh37 (hg19) VCF-style: chr16-15826456-C-T.
Other names: c.3637G>A, p.Glu1213Lys (NM_001040113.2, NM_001040114.2); c.3616G>A, p.Glu1206Lys (NM_022844.3); short protein forms E1206K, E1213K.
Identifiers: ClinVar variation 3297353 (VCV003297353.6).

ClinVar aggregate classification (germline): Uncertain significance. Review status: criteria provided, multiple submitters, no conflicts (2 of 4 stars). 4 submissions from 4 submitters: Uncertain significance (4). Last evaluated 2025-10-28.

Conditions:
Familial thoracic aortic aneurysm and aortic dissection (TAAD). Also called: Thoracic aortic aneurysms and dissections. Identifiers: Orphanet 91387, MedGen C4707243, MONDO:0019625.
Aortic aneurysm, familial thoracic 4 (AAT4). Also called: AORTIC ANEURYSM/AORTIC DISSECTION AND PATENT DUCTUS ARTERIOSUS. Identifiers: MedGen C1851504, MONDO:0007568, OMIM 132900.

gnomAD v4.1: 2 of 1,614,242 alleles (0.00012%); highest among the groups gnomAD compares: Non-Finnish European, 0.00017%; no homozygotes.

Submissions (4):

Dasa
Classification: Uncertain significance. Last evaluated: 2025-10-28. Review status: criteria provided, single submitter. Criteria: DASA Assertion Criteria. Collection method: clinical testing. Allele origin: germline.
Comment: NM_002474.3(MYH11):c.3616G>A (p.Glu1206Lys) is a missense variant that results in the substitution of glutamic acid with lysine. This variant is rare in population databases. Computational prediction algorithms are consistent with a deleterious effect. The currently available literature and clinical evidence are not sufficient to establish a definitive association between this variant and the reported condition. Therefore, this variant is classified as a variant of uncertain significance.

Blueprint Genetics
Classification: Uncertain significance. Last evaluated: 2024-05-28. Review status: criteria provided, single submitter. Criteria: ACMG Guidelines, 2015. Collection method: clinical testing. Allele origin: germline.

Labcorp Genetics (formerly Invitae), Labcorp
Classification: Uncertain significance for Aortic aneurysm, familial thoracic 4. Last evaluated: 2024-05-26. Review status: criteria provided, single submitter. Criteria: Invitae Variant Classification Sherloc (09022015). Collection method: clinical testing. Allele origin: germline.
Comment: This sequence change replaces glutamic acid, which is acidic and polar, with lysine, which is basic and polar, at codon 1213 of the MYH11 protein (p.Glu1213Lys). This variant is not present in population databases (gnomAD no frequency). This variant has not been reported in the literature in individuals affected with MYH11-related conditions. Advanced modeling of protein sequence and biophysical properties (such as structural, functional, and spatial information, amino acid conservation, physicochemical variation, residue mobility, and thermodynamic stability) performed at Invitae indicates that this missense variant is not expected to disrupt MYH11 protein function with a negative predictive value of 95%. In summary, the available evidence is currently insufficient to determine the role of this variant in disease. Therefore, it has been classified as a Variant of Uncertain Significance.

Ambry Genetics
Classification: Uncertain significance for Familial thoracic aortic aneurysm and aortic dissection. Last evaluated: 2024-03-27. Review status: criteria provided, single submitter. Criteria: Ambry Variant Classification Scheme 2023. Collection method: clinical testing. Allele origin: germline.
Comment: The p.E1206K variant (also known as c.3616G>A), located in coding exon 26 of the MYH11 gene, results from a G to A substitution at nucleotide position 3616. The glutamic acid at codon 1206 is replaced by lysine, an amino acid with similar properties. This amino acid position is conserved. In addition, the in silico prediction for this alteration is inconclusive. Based on the available evidence, the clinical significance of this alteration remains unclear.